The following is an entry in ClinVar:

NM_001127511.3(APC):c.165+21909G>A

Gene: APC (APC regulator of Wnt signaling pathway; plus strand). Cytogenetic location: 5q22.2.
Variant type: single nucleotide variant.
Coding change: c.165+21909G>A on transcript NM_001127511.3; 21909 bases into the intron after coding-DNA position 165, G replaced by A.
Molecular consequence: intron variant.
Genome position (GRCh38, 1-based): chr5:112,729,791, G>A. VCF-style: chr5-112729791-G-A. GRCh37 (hg19) VCF-style: chr5-112065488-G-A.
Other names: c.-1054+21909G>A (NM_001407470.1, NM_001407472.1); c.-19+21909G>A (NM_001407447.1, NM_001354895.2, NM_001407456.1 and 3 more transcripts); c.165+21909G>A (NM_001407446.1, NM_001354897.2, NM_001354902.2); c.-19+22142G>A (NM_001407448.1, NM_001407450.1, NM_001407457.1 and 1 more transcripts); c.-43+22142G>A (NM_001407453.1).
Identifiers: ClinVar variation 82303 (VCV000082303.4), dbSNP rs78854073, ClinGen allele CA023538.
Genomic context (GRCh38, chr5:112,729,791, plus strand): 5'-TTTTATCTGCCAAGTTCCTTTTACCATATAATGTAGTATATTCACTAGAGTAACACCAGA[G>A]GGCAAGTCTTCAGGGCCTAAATGCTGCCACATTTTGCATGCATAAGTTTTATTTAATCTA-3'

ClinVar aggregate classification (germline): other (0 of 4 stars; one submission).

Conditions:
Familial colorectal cancer. Identifiers: MedGen CN280943, MONDO:0023113. Disease mechanism: loss of function.

Submission:

Systems Biology Platform Zhejiang California International NanoSystems Institute
Classification: other for Familial colorectal cancer. Review status: no assertion criteria provided. Collection method: not provided. Allele origin: unknown.
ClinVar note: Converted during submission from cancer to other.